The following is an entry in ClinVar:

NM_004738.5(VAPB):c.674T>C (p.Leu225Ser)

Gene: VAPB (VAMP associated protein B and C; plus strand). Cytogenetic location: 20q13.32.
Variant type: single nucleotide variant.
Coding change: c.674T>C on transcript NM_004738.5 (MANE Select); coding-DNA position 674, T replaced by C.
Protein change: p.Leu225Ser; replaces leucine 225 with serine.
Molecular consequence: missense variant. On other transcripts: 3 prime UTR variant (1), non-coding transcript variant (1).
Genome position (GRCh38, 1-based): chr20:58,444,177, T>C. VCF-style: chr20-58444177-T-C. GRCh37 (hg19) VCF-style: chr20-57019233-T-C.
Other names: c.*12T>C (NM_001195677.2); short protein forms L225S.
Identifiers: ClinVar variation 647542 (VCV000647542.9), dbSNP rs1439925669, ClinGen allele CA409440303.

ClinVar aggregate classification (germline): Uncertain significance (1 of 4 stars; one submission).

Conditions:
Amyotrophic lateral sclerosis type 8 (ALS8). Identifiers: Orphanet 803, MedGen C1837728, MONDO:0012077, OMIM 608627.
Adult-onset proximal spinal muscular atrophy, autosomal dominant. Also called: Spinal muscular atrophy, late-onset, finkel type; FINKEL LATE-ADULT TYPE SMA. Identifiers: Orphanet 209335, MedGen C1854058, MONDO:0008453, OMIM 182980.

Allele frequency attached by ClinVar (database versions not stated): gnomAD exomes below 0.00001.
gnomAD v4.1: 1 of 1,614,220 alleles (0.000062%); highest among the groups gnomAD compares: Non-Finnish European, 0.000085%; no homozygotes.

Submission:

Labcorp Genetics (formerly Invitae), Labcorp
Classification: Uncertain significance for Adult-onset proximal spinal muscular atrophy, autosomal dominant; Amyotrophic lateral sclerosis type 8. Last evaluated: 2018-11-15. Review status: criteria provided, single submitter. Criteria: Invitae Variant Classification Sherloc (09022015). Collection method: clinical testing. Allele origin: germline.
Comment: This sequence change replaces leucine with serine at codon 225 of the VAPB protein (p.Leu225Ser). The leucine residue is moderately conserved and there is a large physicochemical difference between leucine and serine. Algorithms developed to predict the effect of missense changes on protein structure and function are either unavailable or do not agree on the potential impact of this missense change (SIFT: "Deleterious"; PolyPhen-2: "Benign"; Align-GVGD: "Class C0"). In summary, the available evidence is currently insufficient to determine the role of this variant in disease. Therefore, it has been classified as a Variant of Uncertain Significance. This variant is not present in population databases (ExAC no frequency). This variant has not been reported in the literature in individuals with VAPB-related disease.